The following is an entry in ClinVar:

NM_016006.6(ABHD5):c.44A>G (p.Glu15Gly)

Genes: ABHD5 (abhydrolase domain containing 5, lysophosphatidic acid acyltransferase; plus strand), ANO10 (anoctamin 10; minus strand). Cytogenetic location: 3p21.33.
Variant type: single nucleotide variant.
Coding change: c.44A>G on transcript NM_016006.6 (MANE Select); coding-DNA position 44, A replaced by G.
Protein change: p.Glu15Gly; replaces glutamic acid 15 with glycine.
Molecular consequence: missense variant. On other transcripts: non-coding transcript variant (1), intron variant (2).
Genome position (GRCh38, 1-based): chr3:43,691,036, A>G. VCF-style: chr3-43691036-A-G. GRCh37 (hg19) VCF-style: chr3-43732528-A-G.
Other names: c.44A>G, p.Glu15Gly (NM_001355186.2, NM_001365650.1); c.-12+481T>C (NM_001346469.2, NM_001346468.2); short protein forms E15G.
Identifiers: ClinVar variation 1994350 (VCV001994350.4), dbSNP rs2528681769, ClinGen allele CA352343736.

ClinVar aggregate classification (germline): Uncertain significance (1 of 4 stars; one submission).

Allele frequency attached by ClinVar (database versions not stated): gnomAD exomes below 0.00001.
gnomAD v4.1: 3 of 1,556,568 alleles (0.00019%); highest among the groups gnomAD compares: Non-Finnish European, 0.00017%; no homozygotes.

Submission:

Labcorp Genetics (formerly Invitae), Labcorp
Classification: Uncertain significance. Last evaluated: 2022-07-06. Review status: criteria provided, single submitter. Criteria: Invitae Variant Classification Sherloc (09022015). Collection method: clinical testing. Allele origin: germline.
Comment: This variant has not been reported in the literature in individuals affected with ABHD5-related conditions. In summary, the available evidence is currently insufficient to determine the role of this variant in disease. Therefore, it has been classified as a Variant of Uncertain Significance. Algorithms developed to predict the effect of missense changes on protein structure and function output the following: SIFT: "Tolerated"; PolyPhen-2: "Benign"; Align-GVGD: "Class C0". The glycine amino acid residue is found in multiple mammalian species, which suggests that this missense change does not adversely affect protein function. This variant is not present in population databases (gnomAD no frequency). This sequence change replaces glutamic acid, which is acidic and polar, with glycine, which is neutral and non-polar, at codon 15 of the ABHD5 protein (p.Glu15Gly).